The following is an entry in ClinVar:

NM_000059.4(BRCA2):c.4686A>G (p.Gln1562=)

Gene: BRCA2 (BRCA2 DNA repair associated; plus strand). Cytogenetic location: 13q13.1.
Variant type: single nucleotide variant.
Coding change: c.4686A>G on transcript NM_000059.4 (MANE Select); coding-DNA position 4686, A replaced by G.
Protein change: p.Gln1562=; no amino-acid change (glutamine 1562 retained).
Molecular consequence: synonymous variant.
Genome position (GRCh38, 1-based): chr13:32,339,041, A>G. VCF-style: chr13-32339041-A-G. GRCh37 (hg19) VCF-style: chr13-32913178-A-G.
Other names: p.Q1562Q:CAA>CAG.
Identifiers: ClinVar variation 136561 (VCV000136561.88), dbSNP rs28897730, ClinGen allele CA020646.
Genomic context (GRCh38, chr13:32,339,041, plus strand): 5'-GAAAAACCTTTTTGATGAAAAAGAGCAAGGTACTAGTGAAATCACCAGTTTTAGCCATCA[A>G]TGGGCAAAGACCCTAAAGTACAGAGAGGCCTGTAAAGACCTTGAATTAGCATGTGAGACC-3'
Protein context (NP_000050.3, residues 1552-1572): GTSEITSFSH[Gln1562=]WAKTLKYREA

ClinVar aggregate classification (germline): Likely benign. Review status: reviewed by expert panel (3 of 4 stars). 21 submissions from 20 submitters: Likely benign (1). 20 of the submissions do not count toward it. Last evaluated 2017-06-29.

Conditions:
Breast and/or ovarian cancer. Identifiers: MedGen CN221562.
Hereditary cancer-predisposing syndrome. Also called: Tumor predisposition; Hereditary neoplastic syndrome; Hereditary Cancer Syndrome; Neoplastic Syndromes, Hereditary. Identifiers: Orphanet 140162, MedGen C0027672, MeSH D009386, MONDO:0015356.
Hereditary breast ovarian cancer syndrome. Also called: Hereditary breast and ovarian cancer; Hereditary breast and/or ovarian cancer syndrome; BRCA1- and BRCA2-Associated Hereditary Breast and Ovarian Cancer; Hereditary breast and ovarian cancer syndrome (HBOC); Hereditary breast and ovarian cancer syndrome; Breast and ovarian cancer. Identifiers: Orphanet 145, MedGen C0677776, MeSH D061325, MONDO:0003582. Disease mechanism: loss of function.
Fanconi anemia complementation group D1. Also called: BRCA2-Related Fanconi Anemia. Identifiers: Orphanet 319462, MedGen C1838457, MONDO:0011584, OMIM 605724.
Breast-ovarian cancer, familial, susceptibility to, 2 (BROVCA2). Also called: BRCA2 Hereditary Breast and Ovarian Cancer. Identifiers: Orphanet 145, MedGen C2675520, MONDO:0012933, OMIM 612555. Disease mechanism: loss of function.

Allele frequency attached by ClinVar (database versions not stated): ExAC 0.00026; gnomAD 0.00026 and 0.00030; TOPMed 0.00027; gnomAD exomes 0.00029 and 0.00056; 1000 Genomes Project 0.00040; ESP Exome Variant Server 0.00046; 1000 Genomes Project 30x 0.00047.
gnomAD v4.1: 869 of 1,614,074 alleles (0.054%); highest among the groups gnomAD compares: Non-Finnish European, 0.067%; no homozygotes.

Submissions (21):

Evidence-based Network for the Interpretation of Germline Mutant Alleles (ENIGMA)
Classification: Likely benign for Breast-ovarian cancer, familial, susceptibility to, 2. Last evaluated: 2017-06-29. Review status: reviewed by expert panel. Criteria: ENIGMA BRCA1/2 Classification Criteria (2017-06-29). Collection method: curation. Allele origin: germline.
Comment: Synonymous substitution variant, with low bioinformatic likelihood to result in a splicing aberration (Splicing prior probability 0.02).

Labcorp Genetics (formerly Invitae), Labcorp
Classification: Benign for Hereditary breast ovarian cancer syndrome. Last evaluated: 2026-02-04. Review status: criteria provided, single submitter. Criteria: Invitae Variant Classification Sherloc (09022015). Collection method: clinical testing. Allele origin: germline. Not counted in ClinVar's aggregate classification.

Molecular Diagnostics Laboratory, Catalan Institute of Oncology
Classification: Benign for Hereditary cancer-predisposing syndrome. Last evaluated: 2025-08-04. Review status: criteria provided, single submitter. Criteria: ClinGen BRCA1BRCA2 ACMG Specifications BRCA2 V1.0.0. Collection method: clinical testing. Allele origin: germline. Not counted in ClinVar's aggregate classification.
Comment: BP1_Strong, BS1 c.4686A>G , located in exon 11 of the BRCA2 gene, is predicted to result in no amino acid change, p.(Gln1562=). This position is outside a (potentially) clinically important functional domain and, the SpliceAI algorithm predicts no significant impact on splicing (BP1_strong).The variant allele was found in 74/268054 alleles, with a filter allele frequency of 0.03% at 99% confidence, within the European (non-Finnish) population in the gnomAD v2.1.1 database (non-cancer data set) (BS1). Caux-Moncoutier 2009 (PMID 19471317) performed an allelic imbalance assay to assess the putative impact of variants on splicing and results in no allelic imbalance for one of the two SNPs tested, suggesting that it does not impact splicing. The c.4686A>G variant has been reported in the ClinVar database (x2 uncertain significance, x10 likely benign and x6 benign) and in the LOVD database (x1 uncertain significance, x5 likely benign and x5 benign). In addition it has been reported in BRCA Exchange database as Likely benign (Summary Jutification: Synonymous substitution variant, with low bioinformatic likelihood to result in a splicing aberration (Splicing prior probability 0.02). Based on currently available information, the variantc.4686A>G should be considered a benign variant according to ClinGen-BRCA2 Guidelines v. 1.0.0.

ARUP Laboratories, Molecular Genetics and Genomics, ARUP Laboratories
Classification: Benign. Last evaluated: 2025-04-28. Review status: criteria provided, single submitter. Criteria: ARUP Molecular Germline Variant Investigation Process 2024. Collection method: clinical testing. Allele origin: germline. Not counted in ClinVar's aggregate classification.

Center for Genomic Medicine, Rigshospitalet, Copenhagen University Hospital
Classification: Likely benign. Last evaluated: 2025-03-04. Review status: criteria provided, single submitter. Criteria: ACMG Guidelines, 2015. Collection method: clinical testing. Allele origin: germline. Not counted in ClinVar's aggregate classification.

Blueprint Genetics
Classification: Likely benign. Last evaluated: 2024-10-11. Review status: criteria provided, single submitter. Criteria: ACMG Guidelines, 2015. Collection method: clinical testing. Allele origin: germline. Not counted in ClinVar's aggregate classification.

CeGaT Center for Human Genetics Tuebingen
Classification: Likely benign. Last evaluated: 2024-07-01. Review status: criteria provided, single submitter. Criteria: CeGaT Center For Human Genetics Tuebingen Variant Classification Criteria Version 2. Collection method: clinical testing. Allele origin: germline. Affected: yes. Observed: 2 variant alleles. Not counted in ClinVar's aggregate classification.
Comment: BRCA2: BP4

All of Us Research Program, National Institutes of Health
Classification: Benign for Breast-ovarian cancer, familial, susceptibility to, 2. Last evaluated: 2024-02-05. Review status: criteria provided, single submitter. Criteria: ACMG Guidelines, 2015. Collection method: clinical testing. Allele origin: germline. Inheritance: Autosomal dominant inheritance. Observed: 101 variant alleles, 101 heterozygotes. Not counted in ClinVar's aggregate classification.
Comment: This study involves interpretation of variants in research participants for the purpose of population health screening. Participant phenotype was not available at the time of variant classification. Additional details can be found in publication PMID: 35346344, PMCID: PMC8962531

CHEO Genetics Diagnostic Laboratory, Children's Hospital of Eastern Ontario
Classification: Likely benign for Breast and/or ovarian cancer. Last evaluated: 2023-04-05. Review status: criteria provided, single submitter. Criteria: ACMG Guidelines, 2015. Collection method: clinical testing. Allele origin: germline. Study: Canadian Open Genetics Repository. Not counted in ClinVar's aggregate classification.

Genetic Services Laboratory, University of Chicago
Classification: Likely benign. Last evaluated: 2021-10-14. Review status: criteria provided, single submitter. Criteria: ACMG Guidelines, 2015. Collection method: clinical testing. Allele origin: germline. Affected: no. Not counted in ClinVar's aggregate classification.

Sema4
Classification: Likely benign for Hereditary cancer-predisposing syndrome. Last evaluated: 2021-01-13. Review status: criteria provided, single submitter. Criteria: Sema4 Curation Guidelines. Collection method: curation. Allele origin: germline. Not counted in ClinVar's aggregate classification.

Illumina Laboratory Services, Illumina
Classification: Uncertain significance for Fanconi anemia complementation group D1. Last evaluated: 2018-01-13. Review status: criteria provided, single submitter. Criteria: ICSL Variant Classification Criteria 13 December 2019. Collection method: clinical testing. Allele origin: germline. Not counted in ClinVar's aggregate classification.

Illumina Laboratory Services, Illumina
Classification: Uncertain significance for Breast-ovarian cancer, familial, susceptibility to, 2. Last evaluated: 2018-01-13. Review status: criteria provided, single submitter. Criteria: ICSL Variant Classification Criteria 13 December 2019. Collection method: clinical testing. Allele origin: germline. Not counted in ClinVar's aggregate classification.

PreventionGenetics, part of Exact Sciences
Classification: Likely benign. Last evaluated: 2017-06-01. Review status: criteria provided, single submitter. Criteria: ACMG Guidelines, 2015. Collection method: clinical testing. Allele origin: germline. Not counted in ClinVar's aggregate classification.

Color Diagnostics, LLC DBA Color Health
Classification: Benign for Hereditary cancer-predisposing syndrome. Last evaluated: 2015-04-01. Review status: criteria provided, single submitter. Criteria: ACMG Guidelines, 2015. Collection method: clinical testing. Allele origin: germline. Not counted in ClinVar's aggregate classification.

Ambry Genetics
Classification: Likely benign for Hereditary cancer-predisposing syndrome. Last evaluated: 2014-10-21. Review status: criteria provided, single submitter. Criteria: Ambry Variant Classification Scheme 2023. Collection method: clinical testing. Allele origin: germline. Not counted in ClinVar's aggregate classification.

GeneDx
Classification: Benign. Last evaluated: 2014-01-14. Review status: criteria provided, single submitter. Criteria: GeneDx Variant Classification (06012015). Collection method: clinical testing. Allele origin: germline. Affected: yes. Not counted in ClinVar's aggregate classification.
Comment: This variant is considered likely benign or benign based on one or more of the following criteria: it is a conservative change, it occurs at a poorly conserved position in the protein, it is predicted to be benign by multiple in silico algorithms, and/or has population frequency not consistent with disease.

Mayo Clinic Laboratories, Mayo Clinic
Classification: Likely benign. Last evaluated: 2017-02-10. Review status: no assertion criteria provided. Collection method: clinical testing. Allele origin: unknown. Not counted in ClinVar's aggregate classification.

Clinical Genetics Laboratory, Department of Pathology, Netherlands Cancer Institute
Classification: Likely benign. Review status: no assertion criteria provided. Collection method: clinical testing. Allele origin: germline. Affected: yes. Study: VKGL Data-share Consensus. Not counted in ClinVar's aggregate classification.

Department of Pathology and Laboratory Medicine, Sinai Health System
Classification: Benign. Review status: no assertion criteria provided. Collection method: clinical testing. Allele origin: unknown. Affected: yes. Observed: 2 variant alleles. Study: The Canadian Open Genetics Repository (COGR). Not counted in ClinVar's aggregate classification.
Comment: The BRCA2 p.Gln1562Gln variant was identified in at least 3 of 10576 proband chromosomes (frequency 0.0003) from individuals with breast cancer, ovarian cancer, or prostate cancer; however, control chromosomes from healthy individuals were not included in these studies (Caux-Moncoutier 2009, Caux-Moncoutier 2011, Edwards 2003). The p.Gln1562Gln variant is not expected to have clinical significance because it does not result in a change of amino acid and is not located in a known consensus splice site. The variant was listed in dbSNP (ID: rs28897730) with a minor allele frequency of 0.0004 (1000 Genomes Project), and in the NHLBI Exome Sequencing Project with a frequency of 0.0007 in European American alleles, increasing the likelihood that this is a low frequency benign variant in certain populations of origin. The variant was reported in ClinVar by one laboratory (GeneDx as benign). In summary, based on the above information,this variant is classified as benign.

Joint Genome Diagnostic Labs from Nijmegen and Maastricht, Radboudumc and MUMC+
Classification: Likely benign. Review status: no assertion criteria provided. Collection method: clinical testing. Allele origin: germline. Affected: yes. Study: VKGL Data-share Consensus. Not counted in ClinVar's aggregate classification.